The following is an entry in ClinVar:

NM_000444.6(PHEX):c.501G>A (p.Trp167Ter)

Gene: PHEX (phosphate regulating endopeptidase X-linked; plus strand). Cytogenetic location: Xp22.11.
Variant type: single nucleotide variant.
Coding change: c.501G>A on transcript NM_000444.6 (MANE Select); coding-DNA position 501, G replaced by A.
Protein change: p.Trp167Ter; replaces tryptophan 167 with a stop codon.
Molecular consequence: nonsense.
Genome position (GRCh38, 1-based): chrX:22,077,540, G>A. VCF-style: chrX-22077540-G-A. GRCh37 (hg19) VCF-style: chrX-22095658-G-A.
Other names: c.501G>A, p.Trp167Ter (NM_001282754.2); short protein forms W167*.
Identifiers: ClinVar variation 522470 (VCV000522470.15), dbSNP rs1556020770, ClinGen allele CA412571357.

ClinVar aggregate classification (germline): Pathogenic. Review status: criteria provided, multiple submitters, no conflicts (2 of 4 stars). 6 submissions from 6 submitters: Pathogenic (4). 2 of the submissions do not count toward it. Last evaluated 2025-10-13.

Conditions:
Childhood hypophosphatasia. Identifiers: Orphanet 247667, Orphanet 436, MedGen C0220743, MONDO:1010168, OMIM 241510, MONDO:0009428.
Familial X-linked hypophosphatemic vitamin D refractory rickets (XLHRD). Also called: X-Linked Hypophosphatemia; HYPOPHOSPHATEMIC VITAMIN D-RESISTANT RICKETS; Hypophosphatemic Rickets, X-Linked Dominant; Hypophosphatemia, vitamin D-resistant rickets; Vitamin D-resistant rickets, X-linked. Identifiers: Orphanet 89936, MedGen C0733682, MONDO:0010619, OMIM 307800.

Submissions (6):

Women's Health and Genetics/Laboratory Corporation of America, LabCorp
Classification: Pathogenic for Familial X-linked hypophosphatemic vitamin D refractory rickets. Last evaluated: 2025-10-13. Review status: criteria provided, single submitter. Criteria: LabCorp Variant Classification Summary - May 2015. Collection method: clinical testing. Allele origin: germline.
Comment: Variant summary: PHEX c.501G>A (p.Trp167X) results in a premature termination codon, predicted to cause a truncation of the encoded protein or absence of the protein due to nonsense mediated decay, which are commonly known mechanisms for disease. The variant was absent in 183276 control chromosomes (gnomAD). c.501G>A has been observed in individuals affected with X-Linked Hypophosphatemic Rickets (Jimnez_2021). These data indicate that the variant may be associated with disease. To our knowledge, no experimental evidence demonstrating an impact on protein function has been reported. The following publication have been ascertained in the context of this evaluation (PMID: 33666701). ClinVar contains an entry for this variant (Variation ID: 522470). Based on the evidence outlined above, the variant was classified as pathogenic.

3billion
Classification: Pathogenic for Familial X-linked hypophosphatemic vitamin D refractory rickets. Last evaluated: 2024-08-06. Review status: criteria provided, single submitter. Criteria: ACMG Guidelines, 2015. Collection method: clinical testing. Allele origin: germline. Affected: yes.
Comment: The variant is not observed in the gnomAD v4.0.0 dataset. Predicted Consequence/Location: Stop-gained (nonsense): predicted to result in a loss or disruption of normal protein function through nonsense-mediated decay (NMD) or protein truncation. Multiple pathogenic variants are reported downstream of the variant. The variant has been reported at least twice as pathogenic without evidence for the classification (ClinVar ID: VCV000522470 /PMID: 33666701). Therefore, this variant is classified as Pathogenic according to the recommendation of ACMG/AMP guideline.

Labcorp Genetics (formerly Invitae), Labcorp
Classification: Pathogenic. Last evaluated: 2024-07-19. Review status: criteria provided, single submitter. Criteria: Invitae Variant Classification Sherloc (09022015). Collection method: clinical testing. Allele origin: germline.
Comment: This sequence change creates a premature translational stop signal (p.Trp167*) in the PHEX gene. It is expected to result in an absent or disrupted protein product. Loss-of-function variants in PHEX are known to be pathogenic (PMID: 9097956, 9106524, 19219621). This variant is not present in population databases (gnomAD no frequency). This premature translational stop signal has been observed in individual(s) with hypophosphatemic rickets (Invitae). ClinVar contains an entry for this variant (Variation ID: 522470). For these reasons, this variant has been classified as Pathogenic.

Fulgent Genetics
Classification: Pathogenic for Familial X-linked hypophosphatemic vitamin D refractory rickets. Last evaluated: 2021-07-09. Review status: criteria provided, single submitter. Criteria: ACMG Guidelines, 2015. Collection method: clinical testing. Allele origin: unknown.

Bioscientia Institut fuer Medizinische Diagnostik GmbH, Sonic Healthcare
Classification: Pathogenic for Familial X-linked hypophosphatemic vitamin D refractory rickets. Last evaluated: 2017-09-18. Review status: no assertion criteria provided. Collection method: clinical testing. Allele origin: germline. Affected: yes. Not counted in ClinVar's aggregate classification.

Department of Pediatric Endocrinology, Shriners Hospitals for Children - Mexico City
No classification provided. Condition: Childhood hypophosphatasia. Review status: no classification provided. Collection method: phenotyping only. Allele origin: germline. Inheritance: X-linked dominant inheritance. Affected: yes. Observed: 1 variant allele, 1 hemizygote. Not counted in ClinVar's aggregate classification.

Literature cited by the submitters: PubMed 33666701 (cited by Women's Health and Genetics/Laboratory Corporation of America, LabCorp and 3billion); PubMed 9097956 (cited by Labcorp Genetics (formerly Invitae), Labcorp); PubMed 9106524 (cited by Labcorp Genetics (formerly Invitae), Labcorp); PubMed 19219621 (cited by Labcorp Genetics (formerly Invitae), Labcorp).